The following is an entry in ClinVar:

ClinVar aggregate classification (germline): Benign/Likely benign. Review status: criteria provided, multiple submitters, no conflicts (2 of 4 stars). 19 submissions from 18 submitters: Benign (15); Likely benign (1). 3 of the submissions do not count toward it. Last evaluated 2026-02-04.

Conditions:
Hereditary cancer-predisposing syndrome. Also called: Tumor predisposition; Neoplastic Syndromes, Hereditary; Hereditary neoplastic syndrome; Hereditary Cancer Syndrome. Identifiers: Orphanet 140162, MedGen C0027672, MeSH D009386, MONDO:0015356.
Tuberous sclerosis syndrome (TSC). Also called: Tuberous Sclerosis Complex; Tuberous sclerosis. Identifiers: Orphanet 805, MedGen C0041341, MONDO:0001734.
Polycystic kidney disease, adult type (PKD1). Also called: POLYCYSTIC KIDNEY DISEASE 1 WITH OR WITHOUT POLYCYSTIC LIVER DISEASE; POLYCYSTIC KIDNEY DISEASE, ADULT, TYPE I; Polycystic Kidney, Autosomal Dominant; Polycystic Kidney Disease 1, Autosomal Dominant; Polycystic kidney disease 1; Polycystic kidney disease 1, severe. Identifiers: MedGen C3149841, MONDO:0008263, OMIM 173900.
Tuberous sclerosis 2 (TSC2). Identifiers: Orphanet 805, MedGen C1860707, MONDO:0013199, OMIM 613254.

Allele frequency attached by ClinVar (database versions not stated): 1000 Genomes Project 30x 0.03951; 1000 Genomes Project 0.04113; TOPMed 0.05704; ESP Exome Variant Server 0.07163.
gnomAD v4.1: 138,484 of 1,607,436 alleles (8.6%); highest among the groups gnomAD compares: Non-Finnish European, 9.6%; 6,704 homozygotes.

Submissions (19):

Labcorp Genetics (formerly Invitae), Labcorp
Classification: Benign for Tuberous sclerosis 2. Last evaluated: 2026-02-04. Review status: criteria provided, single submitter. Criteria: Invitae Variant Classification Sherloc (09022015). Collection method: clinical testing. Allele origin: germline.

ARUP Laboratories, Molecular Genetics and Genomics, ARUP Laboratories
Classification: Benign. Last evaluated: 2025-07-23. Review status: criteria provided, single submitter. Criteria: ARUP Molecular Germline Variant Investigation Process 2024. Collection method: clinical testing. Allele origin: germline.

Myriad Genetics, Inc.
Classification: Benign for Tuberous sclerosis 2. Last evaluated: 2025-06-09. Review status: criteria provided, single submitter. Criteria: Myriad Autosomal Dominant, Autosomal Recessive and X-Linked Classification Criteria (2023). Collection method: clinical testing. Allele origin: unknown.
Comment: This variant is considered benign. This variant is a silent/synonymous amino acid change and it is not expected to impact splicing.

KCCC/NGS Laboratory, Kuwait Cancer Control Center
Classification: Benign for Polycystic kidney disease, adult type. Last evaluated: 2025-02-01. Review status: criteria provided, single submitter. Criteria: ACMG Guidelines, 2015. Collection method: clinical testing. Allele origin: germline. Affected: no.

Blueprint Genetics
Classification: Likely benign. Last evaluated: 2024-11-27. Review status: criteria provided, single submitter. Criteria: ACMG Guidelines, 2015. Collection method: clinical testing. Allele origin: germline.

All of Us Research Program, National Institutes of Health
Classification: Benign for Tuberous sclerosis syndrome. Last evaluated: 2024-10-02. Review status: criteria provided, single submitter. Criteria: ACMG Guidelines, 2015. Collection method: clinical testing. Allele origin: germline. Inheritance: Autosomal dominant inheritance. Observed: 21,286 variant alleles, 20,337 heterozygotes, 946 homozygotes, 3 hemizygotes.
Comment: This study involves interpretation of variants in research participants for the purpose of population health screening. Participant phenotype was not available at the time of variant classification. Additional details can be found in publication PMID: 35346344, PMCID: PMC8962531

KCCC/NGS Laboratory, Kuwait Cancer Control Center
Classification: Benign for Tuberous sclerosis 2. Last evaluated: 2023-07-07. Review status: criteria provided, single submitter. Criteria: ACMG Guidelines, 2015. Collection method: clinical testing. Allele origin: germline. Affected: yes.

Mayo Clinic Laboratories, Mayo Clinic
Classification: Benign. Last evaluated: 2022-03-10. Review status: criteria provided, single submitter. Criteria: ACMG Guidelines, 2015. Collection method: clinical testing. Allele origin: germline. Observed: 205 variant alleles.

Genome-Nilou Lab
Classification: Benign for Tuberous sclerosis 2. Last evaluated: 2021-11-07. Review status: criteria provided, single submitter. Criteria: ACMG Guidelines, 2015. Collection method: clinical testing. Allele origin: germline. Affected: no.

Color Diagnostics, LLC DBA Color Health
Classification: Benign for Tuberous sclerosis syndrome. Last evaluated: 2019-03-28. Review status: criteria provided, single submitter. Criteria: ACMG Guidelines, 2015. Collection method: clinical testing. Allele origin: germline.

Illumina Laboratory Services, Illumina
Classification: Benign for Tuberous sclerosis syndrome. Last evaluated: 2018-01-12. Review status: criteria provided, single submitter. Criteria: ICSL Variant Classification Criteria 13 December 2019. Collection method: clinical testing. Allele origin: germline.
Comment: This variant was observed in the ICSL laboratory as part of a predisposition screen in an ostensibly healthy population. It had not been previously curated by ICSL or reported in the Human Gene Mutation Database (HGMD: prior to June 1st, 2018), and was therefore a candidate for classification through an automated scoring system. Utilizing variant allele frequency, disease prevalence and penetrance estimates, and inheritance mode, an automated score was calculated to assess if this variant is too frequent to cause the disease. Based on the score and internal cut-off values, a variant classified as benign is not then subjected to further curation. The score for this variant resulted in a classification of benign for this disease.

Women's Health and Genetics/Laboratory Corporation of America, LabCorp
Classification: Benign. Last evaluated: 2016-08-23. Review status: criteria provided, single submitter. Criteria: LabCorp Variant Classification Summary - May 2015. Collection method: clinical testing. Allele origin: germline.
Comment: Variant summary: The TSC2 c.5397G>C (p.Ser1799Ser) variant involves the alteration of a non-conserved nucleotide, resulting in a synonymous change. One in silico tool predicts a polymorphism outcome for this variant. 4/5 splice prediction tools predict no significant impact on normal splicing. However, these predictions have yet to be confirmed by functional studies. This variant was found in 8759/114222 control chromosomes (440 homozygotes) at a frequency of 0.076684, which is approximately 1115 times the estimated maximal expected allele frequency of a pathogenic TSC2 variant (0.0000688), indicating this variant is a benign polymorphism. In addition, multiple clinical diagnostic laboratories/reputable databases classified this variant as benign. Taken together, this variant is classified as benign.

Ambry Genetics
Classification: Benign for Hereditary cancer-predisposing syndrome. Last evaluated: 2014-11-20. Review status: criteria provided, single submitter. Criteria: Ambry Variant Classification Scheme 2023. Collection method: clinical testing. Allele origin: germline.

Laboratory for Molecular Medicine, Mass General Brigham Personalized Medicine
Classification: Benign. Last evaluated: 2013-02-21. Review status: criteria provided, single submitter. Criteria: LMM Criteria. Collection method: clinical testing. Allele origin: germline. Observed: 6 variant alleles.
Comment: Ser1799Ser in exon 42 of TSC2: This variant is not expected to have clinical sig nificance because it does not alter an amino acid residue and is not located wit hin the splice consensus sequence. It has been identified in 9.9% (848/8596) of European American chromosomes from a broad population by the NHLBI Exome Sequenc ing Project (dbSNP rs1051771).

Breakthrough Genomics
Classification: Benign. Review status: criteria provided, single submitter. Criteria: ACMG Guidelines, 2015. Collection method: not provided. Allele origin: germline. Inheritance: Autosomal dominant inheritance. Affected: yes.

PreventionGenetics, part of Exact Sciences
Classification: Benign. Review status: criteria provided, single submitter. Criteria: ACMG Guidelines, 2015. Collection method: clinical testing. Allele origin: germline.

Clinical Genetics DNA and cytogenetics Diagnostics Lab, Erasmus MC, Erasmus Medical Center
Classification: Benign. Review status: no assertion criteria provided. Collection method: clinical testing. Allele origin: germline. Affected: yes. Study: VKGL Data-share Consensus. Not counted in ClinVar's aggregate classification.

Genetic Services Laboratory, University of Chicago
Classification: Likely benign for AllHighlyPenetrant. Review status: no assertion criteria provided. Collection method: clinical testing. Allele origin: germline. Inheritance: Autosomal dominant inheritance. Not counted in ClinVar's aggregate classification.
Comment: Likely benign based on allele frequency in 1000 Genomes Project or ESP global frequency and its presence in a patient with a rare or unrelated disease phenotype. NOT Sanger confirmed.

Tuberous sclerosis database (TSC2)
No classification provided. Condition: TSC. Review status: no classification provided. Criteria: Tuberous Sclerosis Database Assertion Criteria 2015. Collection method: curation. Allele origin: germline. Affected: yes and no. Not counted in ClinVar's aggregate classification.

NM_000548.5(TSC2):c.5397G>C (p.Ser1799=)

Genes: PKD1 (polycystin 1, transient receptor potential channel interacting; minus strand), TSC2 (TSC complex subunit 2; plus strand). Cytogenetic location: 16p13.3.
Variant type: single nucleotide variant.
Coding change: c.5397G>C on transcript NM_000548.5 (MANE Select); coding-DNA position 5397, G replaced by C.
Protein change: p.Ser1799=; no amino-acid change (serine 1799 retained).
Molecular consequence: synonymous variant.
Genome position (GRCh38, 1-based): chr16:2,088,583, G>C. VCF-style: chr16-2088583-G-C. GRCh37 (hg19) VCF-style: chr16-2138584-G-C.
Other names: p.Ser1799=; c.5196G>C, p.Ser1732= (NM_001077183.3); c.5328G>C, p.Ser1776= (NM_001114382.3); c.5088G>C, p.Ser1696= (NM_001318827.2); c.5052G>C, p.Ser1684= (NM_001318829.2); c.4665G>C, p.Ser1555= (NM_001318831.2); c.5229G>C, p.Ser1743= (NM_001318832.2); c.5199G>C, p.Ser1733= (NM_001363528.2); and 4 more.
Identifiers: ClinVar variation 49847 (VCV000049847.50), dbSNP rs1051771, ClinGen allele CA022476.